The following is an entry in ClinVar:

NM_000018.4(ACADVL):c.1832C>T (p.Ala611Val)

Gene: ACADVL (acyl-CoA dehydrogenase very long chain; plus strand). Cytogenetic location: 17p13.1.
Variant type: single nucleotide variant.
Coding change: c.1832C>T on transcript NM_000018.4 (MANE Select); coding-DNA position 1832, C replaced by T.
Protein change: p.Ala611Val; replaces alanine 611 with valine.
Molecular consequence: missense variant.
Genome position (GRCh38, 1-based): chr17:7,224,961, C>T. VCF-style: chr17-7224961-C-T. GRCh37 (hg19) VCF-style: chr17-7128280-C-T.
Other names: c.1766C>T, p.Ala589Val (NM_001033859.3); c.1901C>T, p.Ala634Val (NM_001270447.2); c.1604C>T, p.Ala535Val (NM_001270448.2); short protein forms A589V, A634V, A535V, A611V.
Identifiers: ClinVar variation 971018 (VCV000971018.6), dbSNP rs2071408325, ClinGen allele CA397725998.
Genomic context (GRCh38, chr17:7,224,961, plus strand): 5'-CCAAGCTCAGGTGAGGGCTGGAGGTGCAGGCCCAACCCCTCCTTCCCTCTCCCCAGGCTG[C>T]AGCTCGGATCCGAGAGGGCATGGCCGCCCTGCAGTCTGACCCCTGGCAGCAAGAGCTCTA-3'
Protein context (NP_000009.1, residues 601-621): MLCDTWCIEA[Ala611Val]ARIREGMAAL

ClinVar aggregate classification (germline): Uncertain significance (1 of 4 stars; one submission).

Conditions:
Very long chain acyl-CoA dehydrogenase deficiency (ACADVLD). Also called: Very Long-Chain Acyl-Coenzyme A Dehydrogenase Deficiency; VLCAD Deficiency. Identifiers: Orphanet 26793, MedGen C3887523, MONDO:0008723, OMIM 201475.

Submission:

Labcorp Genetics (formerly Invitae), Labcorp
Classification: Uncertain significance for Very long chain acyl-CoA dehydrogenase deficiency. Last evaluated: 2021-08-27. Review status: criteria provided, single submitter. Criteria: Invitae Variant Classification Sherloc (09022015). Collection method: clinical testing. Allele origin: germline.
Comment: This sequence change replaces alanine with valine at codon 611 of the ACADVL protein (p.Ala611Val). The alanine residue is moderately conserved and there is a small physicochemical difference between alanine and valine. This variant is not present in population databases (ExAC no frequency). This missense change has been observed in individual(s) with clinical features of VLCAD deficiency (Invitae). In at least one individual the data is consistent with the variant being in trans (on the opposite chromosome) from a pathogenic variant. Algorithms developed to predict the effect of missense changes on protein structure and function (SIFT, PolyPhen-2, Align-GVGD) all suggest that this variant is likely to be tolerated. In summary, the available evidence is currently insufficient to determine the role of this variant in disease. Therefore, it has been classified as a Variant of Uncertain Significance.